The following is an entry in ClinVar:

ClinVar aggregate classification (germline): Benign/Likely benign. Review status: criteria provided, multiple submitters, no conflicts (2 of 4 stars). 5 submissions from 5 submitters: Benign (1); Likely benign (4). Last evaluated 2025-12-22.

Conditions:
Multiple endocrine neoplasia, type 1 (MEN1). Also called: WERMER SYNDROME; Endocrine adenomatosis multiple; MEN 1; MEN I; MEA I. Identifiers: Orphanet 652, MedGen C0025267, MeSH D018761, MONDO:0007540, OMIM 131100.
Hereditary cancer-predisposing syndrome. Also called: Neoplastic Syndromes, Hereditary; Tumor predisposition; Hereditary Cancer Syndrome; Hereditary neoplastic syndrome. Identifiers: Orphanet 140162, MedGen C0027672, MeSH D009386, MONDO:0015356.

Allele frequency attached by ClinVar (database versions not stated): gnomAD exomes 0.00001; ExAC 0.00002.
gnomAD v4.1: 6 of 1,612,120 alleles (0.00037%); highest among the groups gnomAD compares: Middle Eastern, 0.017%; no homozygotes.

Submissions (5):

Labcorp Genetics (formerly Invitae), Labcorp
Classification: Likely benign for Multiple endocrine neoplasia, type 1. Last evaluated: 2025-12-22. Review status: criteria provided, single submitter. Criteria: Invitae Variant Classification Sherloc (09022015). Collection method: clinical testing. Allele origin: germline.

Myriad Genetics, Inc.
Classification: Benign for Multiple endocrine neoplasia, type 1. Last evaluated: 2024-10-31. Review status: criteria provided, single submitter. Criteria: Myriad Autosomal Dominant, Autosomal Recessive and X-Linked Classification Criteria (2023). Collection method: clinical testing. Allele origin: unknown.
Comment: This variant is considered benign. This variant is a silent/synonymous amino acid change and it is not expected to impact splicing.

Blueprint Genetics
Classification: Likely benign. Last evaluated: 2023-08-24. Review status: criteria provided, single submitter. Criteria: ACMG Guidelines, 2015. Collection method: clinical testing. Allele origin: germline.

All of Us Research Program, National Institutes of Health
Classification: Likely benign for Multiple endocrine neoplasia, type 1. Last evaluated: 2022-11-30. Review status: criteria provided, single submitter. Criteria: ACMG Guidelines, 2015. Collection method: clinical testing. Allele origin: germline. Inheritance: Autosomal dominant inheritance. Observed: 1 variant allele, 1 heterozygote.
Comment: This study involves interpretation of variants in research participants for the purpose of population health screening. Participant phenotype was not available at the time of variant classification. Additional details can be found in publication PMID: 35346344, PMCID: PMC8962531

Ambry Genetics
Classification: Likely benign for Hereditary cancer-predisposing syndrome. Last evaluated: 2019-04-12. Review status: criteria provided, single submitter. Criteria: Ambry Variant Classification Scheme 2023. Collection method: clinical testing. Allele origin: germline.

NM_001370259.2(MEN1):c.258C>T (p.Ile86=)

Gene: MEN1 (menin 1; minus strand). Cytogenetic location: 11q13.1.
Variant type: single nucleotide variant.
Coding change: c.258C>T on transcript NM_001370259.2 (MANE Select); coding-DNA position 258, C replaced by T.
Protein change: p.Ile86=; no amino-acid change (isoleucine 86 retained).
Molecular consequence: synonymous variant.
Genome position (GRCh38, 1-based): chr11:64,809,852, G>A on the plus strand (C>T on the coding strand, the complement: MEN1 is on the minus strand). VCF-style: chr11-64809852-G-A. GRCh37 (hg19) VCF-style: chr11-64577324-G-A.
Other names: c.258C>T, p.Ile86= (NM_000244.4, NM_001370251.2, NM_001370260.2 and 9 more transcripts).
Identifiers: ClinVar variation 821533 (VCV000821533.17), dbSNP rs759731868, ClinGen allele CA061041.